The following is an entry in ClinVar:

NM_001077365.2(POMT1):c.1352C>T (p.Ser451Phe)

Gene: POMT1 (protein O-mannosyltransferase 1; plus strand). Cytogenetic location: 9q34.13.
Variant type: single nucleotide variant.
Coding change: c.1352C>T on transcript NM_001077365.2 (MANE Select); coding-DNA position 1352, C replaced by T.
Protein change: p.Ser451Phe; replaces serine 451 with phenylalanine.
Molecular consequence: missense variant. On other transcripts: non-coding transcript variant (10).
Genome position (GRCh38, 1-based): chr9:131,518,524, C>T. VCF-style: chr9-131518524-C-T. GRCh37 (hg19) VCF-style: chr9-134393911-C-T.
Other names: c.1190C>T, p.Ser397Phe (NM_001077366.2, NM_001353194.2); c.1352C>T, p.Ser451Phe (NM_001136113.2, NM_001374690.1); c.1001C>T, p.Ser334Phe (NM_001136114.2, NM_001353195.2, NM_001374691.1 and 2 more transcripts); c.1418C>T, p.Ser473Phe (NM_001353193.2, NM_007171.4); c.1262C>T, p.Ser421Phe (NM_001353196.2); c.1256C>T, p.Ser419Phe (NM_001353197.2, NM_001353198.2); c.1067C>T, p.Ser356Phe (NM_001353199.2); c.896C>T, p.Ser299Phe (NM_001353200.2); and 2 more; short protein forms S473F, S299F, S356F, S334F, S419F, S397F, S421F, S451F.
Identifiers: ClinVar variation 436380 (VCV000436380.11), dbSNP rs890463115, ClinGen allele CA200794947.

ClinVar aggregate classification (germline): Uncertain significance. Review status: criteria provided, multiple submitters, no conflicts (2 of 4 stars). 3 submissions from 3 submitters: Uncertain significance (3). Last evaluated 2023-08-17.

Conditions:
Autosomal recessive limb-girdle muscular dystrophy type 2K. Also called: MUSCULAR DYSTROPHY, LIMB-GIRDLE, TYPE 2K; MUSCULAR DYSTROPHY-DYSTROGLYCANOPATHY (LIMB-GIRDLE), TYPE C, 1. Identifiers: Orphanet 86812, MedGen C1836373, MONDO:0012248, OMIM 609308.
Walker-Warburg congenital muscular dystrophy. Also called: Muscular dystrophy-dystroglycanopathy, type A; Walker-Warburg syndrome. Identifiers: Orphanet 899, MedGen C0265221, MONDO:0000171.
Muscular dystrophy-dystroglycanopathy (congenital with impaired intellectual development), type B, 1. Also called: Muscular dystrophy-dystroglycanopathy (congenital with intellectual disability), type B1; MUSCULAR DYSTROPHY, CONGENITAL, POMT1-RELATED. Identifiers: MedGen C5436962, MONDO:0013159, OMIM 613155.

Allele frequency attached by ClinVar (database versions not stated): gnomAD exomes below 0.00001 and 0.00001; TOPMed below 0.00001.
gnomAD v4.1: 10 of 1,613,594 alleles (0.00062%); highest among the groups gnomAD compares: Non-Finnish European, 0.00085%; no homozygotes.

Submissions (3):

Labcorp Genetics (formerly Invitae), Labcorp
Classification: Uncertain significance for Muscular dystrophy-dystroglycanopathy (congenital with impaired intellectual development), type B, 1; Walker-Warburg congenital muscular dystrophy; Autosomal recessive limb-girdle muscular dystrophy type 2K. Last evaluated: 2023-08-17. Review status: criteria provided, single submitter. Criteria: Invitae Variant Classification Sherloc (09022015). Collection method: clinical testing. Allele origin: germline.
Comment: In summary, the available evidence is currently insufficient to determine the role of this variant in disease. Therefore, it has been classified as a Variant of Uncertain Significance. Advanced modeling of protein sequence and biophysical properties (such as structural, functional, and spatial information, amino acid conservation, physicochemical variation, residue mobility, and thermodynamic stability) has been performed at Invitae for this missense variant, however the output from this modeling did not meet the statistical confidence thresholds required to predict the impact of this variant on POMT1 protein function. ClinVar contains an entry for this variant (Variation ID: 436380). This variant has not been reported in the literature in individuals affected with POMT1-related conditions. This variant is present in population databases (no rsID available, gnomAD 0.0009%). This sequence change replaces serine, which is neutral and polar, with phenylalanine, which is neutral and non-polar, at codon 473 of the POMT1 protein (p.Ser473Phe).

Revvity Omics, Revvity
Classification: Uncertain significance. Last evaluated: 2021-09-08. Review status: criteria provided, single submitter. Criteria: ACMG Guidelines, 2015. Collection method: clinical testing. Allele origin: germline.

Genetic Services Laboratory, University of Chicago
Classification: Uncertain significance. Last evaluated: 2016-04-28. Review status: criteria provided, single submitter. Criteria: ACMG Guidelines, 2015. Collection method: clinical testing. Allele origin: germline. Affected: no.